The following is an entry in ClinVar:

ClinVar aggregate classification (germline): Uncertain significance (1 of 4 stars; one submission).

Allele frequency attached by ClinVar (database versions not stated): TOPMed below 0.00001.

Submission:

Labcorp Genetics (formerly Invitae), Labcorp
Classification: Uncertain significance. Last evaluated: 2022-09-01. Review status: criteria provided, single submitter. Criteria: Invitae Variant Classification Sherloc (09022015). Collection method: clinical testing. Allele origin: germline.
Comment: This sequence change replaces glutamine, which is neutral and polar, with glutamic acid, which is acidic and polar, at codon 401 of the CEP135 protein (p.Gln401Glu). This variant is not present in population databases (gnomAD no frequency). This variant has not been reported in the literature in individuals affected with CEP135-related conditions. ClinVar contains an entry for this variant (Variation ID: 1378426). Algorithms developed to predict the effect of missense changes on protein structure and function output the following: SIFT: "Tolerated"; PolyPhen-2: "Benign"; Align-GVGD: "Class C0". The glutamic acid amino acid residue is found in multiple mammalian species, which suggests that this missense change does not adversely affect protein function. In summary, the available evidence is currently insufficient to determine the role of this variant in disease. Therefore, it has been classified as a Variant of Uncertain Significance.

NM_025009.5(CEP135):c.1201C>G (p.Gln401Glu)

Gene: CEP135 (centrosomal protein 135; plus strand). Cytogenetic location: 4q12.
Variant type: single nucleotide variant.
Coding change: c.1201C>G on transcript NM_025009.5 (MANE Select); coding-DNA position 1201, C replaced by G.
Protein change: p.Gln401Glu; replaces glutamine 401 with glutamic acid.
Molecular consequence: missense variant.
Genome position (GRCh38, 1-based): chr4:55,971,360, C>G. VCF-style: chr4-55971360-C-G. GRCh37 (hg19) VCF-style: chr4-56837526-C-G.
Other names: short protein forms Q401E.
Identifiers: ClinVar variation 1378426 (VCV001378426.3), dbSNP rs1045786626, ClinGen allele CA96959472.